The following is an entry in ClinVar:

NM_000090.4(COL3A1):c.1921C>G (p.Gln641Glu)

Gene: COL3A1 (collagen type III alpha 1 chain; plus strand). Cytogenetic location: 2q32.2.
Variant type: single nucleotide variant.
Coding change: c.1921C>G on transcript NM_000090.4 (MANE Select); coding-DNA position 1921, C replaced by G.
Protein change: p.Gln641Glu; replaces glutamine 641 with glutamic acid.
Molecular consequence: missense variant.
Genome position (GRCh38, 1-based): chr2:188,997,751, C>G. VCF-style: chr2-188997751-C-G. GRCh37 (hg19) VCF-style: chr2-189862477-C-G.
Other names: p.Q641E:CAA>GAA; short protein forms Q641E.
Identifiers: ClinVar variation 199725 (VCV000199725.5), dbSNP rs794728048, ClinGen allele CA004724.

ClinVar aggregate classification (germline): Uncertain significance. Review status: criteria provided, multiple submitters, no conflicts (2 of 4 stars). 3 submissions from 3 submitters: Uncertain significance (3). Last evaluated 2021-08-13.

Conditions:
Polymicrogyria with or without vascular-type Ehlers-Danlos syndrome. Identifiers: Orphanet 636941, MedGen C5193040, MONDO:0032688, OMIM 618343.
Ehlers-Danlos syndrome, type 4 (EDSVASC). Also called: Ehlers-Danlos syndrome vascular type; Ehlers Danlos syndrome, ecchymotic type; Ehlers Danlos syndrome, arterial type; Ehlers Danlos syndrome, Sack-Barabas type; Ehlers-Danlos Syndrome Type IV. Identifiers: Orphanet 286, MedGen C0268338, MONDO:0017314, OMIM 130050.
Familial thoracic aortic aneurysm and aortic dissection (TAAD). Also called: Thoracic aortic aneurysms and dissections. Identifiers: Orphanet 91387, MedGen C4707243, MONDO:0019625.

Allele frequency attached by ClinVar (database versions not stated): gnomAD exomes below 0.00001; gnomAD 0.00001; TOPMed 0.00001.
gnomAD v4.1: 7 of 1,613,572 alleles (0.00043%); highest among the groups gnomAD compares: Non-Finnish European, 0.00059%; no homozygotes.

Submissions (3):

Fulgent Genetics
Classification: Uncertain significance for Ehlers-Danlos syndrome, type 4; Polymicrogyria with or without vascular-type Ehlers-Danlos syndrome. Last evaluated: 2021-08-13. Review status: criteria provided, single submitter. Criteria: ACMG Guidelines, 2015. Collection method: clinical testing. Allele origin: unknown.

Color Diagnostics, LLC DBA Color Health
Classification: Uncertain significance for Familial thoracic aortic aneurysm and aortic dissection. Last evaluated: 2021-04-19. Review status: criteria provided, single submitter. Criteria: ACMG Guidelines, 2015. Collection method: clinical testing. Allele origin: germline.
Comment: This missense variant replaces glutamine with glutamic acid at codon 641 of the COL3A1 protein. Computational prediction suggests that this variant may not impact protein structure and function (internally defined REVEL score threshold <= 0.5, PMID: 27666373). To our knowledge, functional studies have not been reported for this variant. This variant has not been reported in individuals affected with cardiovascular disorders in the literature. This variant has been identified in 1/251042 chromosomes in the general population by the Genome Aggregation Database (gnomAD). The available evidence is insufficient to determine the role of this variant in disease conclusively. Therefore, this variant is classified as a Variant of Uncertain Significance.

GeneDx
Classification: Uncertain significance. Last evaluated: 2012-12-11. Review status: criteria provided, single submitter. Criteria: GeneDx Variant Classification (06012015). Collection method: clinical testing. Allele origin: germline. Affected: yes.
Comment: p.Gln641Glu (CAA>GAA): c.1921 C>G in exon 27 of the COL3A1 gene (NM_000090.3).The Gln641Glu variant in the COL3A1 gene has not been reported as a disease-causing mutation or as a benign polymorphism to our knowledge. The Gln641Glu vas was not observed in approximately 6,500 individuals of European and African American ancestry in the NHLBI Exome Sequencing Project reports, indicating it is not a common benign variant in these populations. Gln641Glu results in a semi-conservative amino acid substitution of a neutral, polar Glutamine with a negatively charged Glutamic acid at a position that is conserved until chicken. Mutations in nearby residues located in the Gly-X-Y repeat region (Gly636Arg, Gly639Val, Gly642Asp) have been reported in association with Ehlers Danlos syndrome, supporting the functional importance of this region of the protein. With the clinical and molecular information available at this time, we cannot definitively determine if Gln641Glu is a disease-causing mutation or a rare benign variant. The variant is found in TAAD panel(s).